The following is an entry in ClinVar:

NM_004181.5(UCHL1):c.655C>T (p.Leu219Phe)

Gene: UCHL1 (ubiquitin C-terminal hydrolase L1; plus strand). Cytogenetic location: 4p13.
Variant type: single nucleotide variant.
Coding change: c.655C>T on transcript NM_004181.5 (MANE Select); coding-DNA position 655, C replaced by T.
Protein change: p.Leu219Phe; replaces leucine 219 with phenylalanine.
Molecular consequence: missense variant.
Genome position (GRCh38, 1-based): chr4:41,268,056, C>T. VCF-style: chr4-41268056-C-T. GRCh37 (hg19) VCF-style: chr4-41270073-C-T.
Other names: short protein forms L219F.
Identifiers: ClinVar variation 1936618 (VCV001936618.5), dbSNP rs1375232742, ClinGen allele CA356734096.

ClinVar aggregate classification (germline): Uncertain significance (1 of 4 stars; one submission).

Allele frequency attached by ClinVar (database versions not stated): gnomAD 0.00002; TOPMed 0.00002.

Submission:

Labcorp Genetics (formerly Invitae), Labcorp
Classification: Uncertain significance. Last evaluated: 2024-03-21. Review status: criteria provided, single submitter. Criteria: Invitae Variant Classification Sherloc (09022015). Collection method: clinical testing. Allele origin: germline.
Comment: This sequence change replaces leucine, which is neutral and non-polar, with phenylalanine, which is neutral and non-polar, at codon 219 of the UCHL1 protein (p.Leu219Phe). This variant is not present in population databases (gnomAD no frequency). This variant has not been reported in the literature in individuals affected with UCHL1-related conditions. ClinVar contains an entry for this variant (Variation ID: 1936618). An algorithm developed to predict the effect of missense changes on protein structure and function (PolyPhen-2) suggests that this variant is likely to be tolerated. In summary, the available evidence is currently insufficient to determine the role of this variant in disease. Therefore, it has been classified as a Variant of Uncertain Significance.